The following is an entry in ClinVar:

NM_004568.6(SERPINB6):c.447G>C (p.Leu149Phe)

Gene: SERPINB6 (serpin family B member 6; minus strand). Cytogenetic location: 6p25.2.
Variant type: single nucleotide variant.
Coding change: c.447G>C on transcript NM_004568.6 (MANE Select); coding-DNA position 447, G replaced by C.
Protein change: p.Leu149Phe; replaces leucine 149 with phenylalanine.
Molecular consequence: missense variant. On other transcripts: non-coding transcript variant (1).
Genome position (GRCh38, 1-based): chr6:2,953,170, C>G on the plus strand (G>C on the coding strand, the complement: SERPINB6 is on the minus strand). VCF-style: chr6-2953170-C-G. GRCh37 (hg19) VCF-style: chr6-2953404-C-G.
Other names: c.459G>C, p.Leu153Phe (NM_001195291.3, NM_001374515.1); c.489G>C, p.Leu163Phe (NM_001271822.2); c.504G>C, p.Leu168Phe (NM_001271823.2); c.447G>C, p.Leu149Phe (NM_001271824.2, NM_001271825.2, NM_001297699.2 and 2 more transcripts); c.315G>C, p.Leu105Phe (NM_001374517.1); short protein forms L105F, L149F, L153F, L163F, L168F.
Identifiers: ClinVar variation 2421435 (VCV002421435.6), dbSNP rs2532596968, ClinGen allele CA362583385.

ClinVar aggregate classification (germline): Uncertain significance (1 of 4 stars; one submission).

Submission:

Labcorp Genetics (formerly Invitae), Labcorp
Classification: Uncertain significance. Last evaluated: 2025-09-02. Review status: criteria provided, single submitter. Criteria: Invitae Variant Classification Sherloc (09022015). Collection method: clinical testing. Allele origin: germline.
Comment: This sequence change replaces leucine, which is neutral and non-polar, with phenylalanine, which is neutral and non-polar, at codon 149 of the SERPINB6 protein (p.Leu149Phe). This variant is not present in population databases (gnomAD no frequency). This variant has not been reported in the literature in individuals affected with SERPINB6-related conditions. ClinVar contains an entry for this variant (Variation ID: 2421435). Invitae Evidence Modeling of protein sequence and biophysical properties (such as structural, functional, and spatial information, amino acid conservation, physicochemical variation, residue mobility, and thermodynamic stability) indicates that this missense variant is not expected to disrupt SERPINB6 protein function with a negative predictive value of 80%. In summary, the available evidence is currently insufficient to determine the role of this variant in disease. Therefore, it has been classified as a Variant of Uncertain Significance.